The following is an entry in ClinVar:

ClinVar aggregate classification (germline): Pathogenic. Review status: practice guideline (4 of 4 stars). 30 submissions from 29 submitters: Pathogenic (1). 29 of the submissions do not count toward it. Last evaluated 2004-03-03.

Conditions:
Cystic fibrosis (CF). Also called: MUCOVISCIDOSIS. Identifiers: Orphanet 586, MedGen C0010674, MONDO:0009061, OMIM 219700. Disease mechanism: loss of function.
Hereditary pancreatitis (PCTT). Also called: PRSS1-Related Hereditary Pancreatitis; Hereditary chronic pancreatitis. Identifiers: Orphanet 676, MedGen C0238339, MONDO:0008185, OMIM 167800.
Congenital bilateral aplasia of vas deferens from CFTR mutation (CBAVD). Identifiers: Orphanet 48, MedGen C0403814, MONDO:0010178, OMIM 277180. Disease mechanism: loss of function.
Bronchiectasis with or without elevated sweat chloride 1 (BESC1). Also called: Cystic Fibrosis-Like Syndrome. Identifiers: Orphanet 60033, MedGen C2749757, MONDO:0008887, OMIM 211400.
CFTR-related disorder (CFTR-RD). Also called: CFTR-related condition; CFTR-related disorders. Identifiers: MedGen C5924204, MONDO:7770004.
Cystic fibrosis diagnostic test.

Allele frequency attached by ClinVar (database versions not stated): gnomAD exomes 0.00004 and 0.00007; gnomAD 0.00005 and 0.00006; TOPMed 0.00006; ExAC 0.00007.
gnomAD v4.1: 101 of 1,593,676 alleles (0.0063%); highest among the groups gnomAD compares: Non-Finnish European, 0.0084%; no homozygotes.

Submissions 1 to 16 of 30:

American College of Medical Genetics and Genomics  (ACMG)
Classification: Pathogenic for Cystic fibrosis. Last evaluated: 2004-03-03. Review status: practice guideline. Criteria: Guideline for cystic fibrosis carrier screening. Collection method: curation. Allele origin: germline. Inheritance: Autosomal recessive inheritance. Study: The ACMG recommended carrier screening panel.
ClinVar note: Converted during submission from pathogenic to Pathogenic.

CFTR2
Classification: Pathogenic for Cystic fibrosis. Last evaluated: 2017-03-17. Review status: reviewed by expert panel. Criteria: Sosnay PR et al. (Nat Genet 2013). Collection method: research. Allele origin: germline. Affected: yes. Study: CFTR2. Not counted in ClinVar's aggregate classification.

Labcorp Genetics (formerly Invitae), Labcorp
Classification: Pathogenic for Cystic fibrosis. Last evaluated: 2025-12-20. Review status: criteria provided, single submitter. Criteria: Invitae Variant Classification Sherloc (09022015). Collection method: clinical testing. Allele origin: germline. Not counted in ClinVar's aggregate classification.
Comment: This sequence change replaces glycine, which is neutral and non-polar, with glutamic acid, which is acidic and polar, at codon 85 of the CFTR protein (p.Gly85Glu). This variant is present in population databases (rs75961395, gnomAD 0.009%). This missense change has been observed in individuals with cystic fibrosis and other CFTR-related conditions (PMID: 1710599, 9271620, 15176679, 19885835, 22020151, 23891399, 23974870). It has also been observed to segregate with disease in related individuals. ClinVar contains an entry for this variant (Variation ID: 7143). Invitae Evidence Modeling of protein sequence and biophysical properties (such as structural, functional, and spatial information, amino acid conservation, physicochemical variation, residue mobility, and thermodynamic stability) indicates that this missense variant is expected to disrupt CFTR protein function with a positive predictive value of 80%. Experimental studies have shown that this missense change affects CFTR function (PMID: 21998193). For these reasons, this variant has been classified as Pathogenic.

NHS Central & South Genomic Laboratory Hub
Classification: Pathogenic for Cystic fibrosis diagnostic test. Last evaluated: 2025-10-21. Review status: criteria provided, single submitter. Criteria: ACMG Guidelines, 2015. Collection method: clinical testing. Allele origin: germline. Affected: yes. Not counted in ClinVar's aggregate classification.

First Genomix Gene Laboratory, Genetic Diagnostics Department
Classification: Pathogenic for Congenital bilateral aplasia of vas deferens from CFTR mutation; Cystic fibrosis. Last evaluated: 2025-08-08. Review status: criteria provided, single submitter. Criteria: ACMG Guidelines, 2015. Collection method: clinical testing. Allele origin: germline. Inheritance: Autosomal recessive inheritance. Affected: no. Observed: 1 variant allele. Not counted in ClinVar's aggregate classification.

Natera, Inc.
Classification: Pathogenic for CFTR-related disorders. Last evaluated: 2025-07-25. Review status: criteria provided, single submitter. Criteria: Natera Variant Classification Schema (03/2026). Collection method: clinical testing. Allele origin: germline. Not counted in ClinVar's aggregate classification.
Comment: The c.254G>A variant in CFTR is a missense variant predicted to cause substitution of glycine to glutamic acid at amino acid 85. This variant is rare in the general population with a frequency below the threshold expected for the associated phenotype(s). This variant has been observed in one or more individuals affected with the associated recessive disease, as either homozygous or compound heterozygous with a second variant (PMID: 18306312). Given the available evidence, this variant is classified as Pathogenic.

Revvity Omics, Revvity
Classification: Pathogenic. Last evaluated: 2025-06-18. Review status: criteria provided, single submitter. Criteria: ACMG Guidelines, 2015. Collection method: clinical testing. Allele origin: germline. Not counted in ClinVar's aggregate classification.

Institute of Human Genetics, University of Leipzig Medical Center
Classification: Pathogenic for Cystic fibrosis. Last evaluated: 2025-05-26. Review status: criteria provided, single submitter. Criteria: ACMG Guidelines, 2015. Collection method: clinical testing. Allele origin: unknown. Inheritance: Autosomal recessive inheritance. Affected: yes. Not counted in ClinVar's aggregate classification.
Comment: Criteria applied: PM3_VSTR,PS3,PP3

Ambry Genetics
Classification: Pathogenic for Cystic fibrosis. Last evaluated: 2025-04-21. Review status: criteria provided, single submitter. Criteria: Ambry Variant Classification Scheme 2023. Collection method: clinical testing. Allele origin: germline. Not counted in ClinVar's aggregate classification.
Comment: The p.G85E pathogenic mutation (also known as c.254G>A), located in coding exon 3 of the CFTR gene, results from a G to A substitution at nucleotide position 254. The glycine at codon 85 is replaced by glutamic acid, an amino acid with similar properties. This variant was first described in a pancreatic insufficient individual diagnosed with cystic fibrosis with a second CFTR mutation in trans (Zielenski J et al. Genomics, 1991 May;10:229-35). This variant results in failure of protein maturation and chloride conductance and is associated with a severe disease phenotype (Decaestecker K et al. Eur. Respir. J., 2004 May;23:679-84; Gen&eacute; GG et al. Hum. Mutat., 2008 May;29:738-49). In a cohort of 201 patients with this mutation, elevated sweat chloride levels, pulmonary disease, and pancreatic insufficiency were reported in the majority of individuals (Sosnay PR et al. Nat. Genet., 2013 Oct;45:1160-7). This amino acid position is highly conserved in available vertebrate species. In addition, this alteration is predicted to be deleterious by in silico analysis. Based on the supporting evidence, this alteration is interpreted as a disease-causing mutation.

Mayo Clinic Laboratories, Mayo Clinic
Classification: Pathogenic. Last evaluated: 2024-08-27. Review status: criteria provided, single submitter. Criteria: ACMG Guidelines, 2015. Collection method: clinical testing. Allele origin: germline. Not counted in ClinVar's aggregate classification.

Blueprint Genetics
Classification: Pathogenic for CFTR-related disorders. Last evaluated: 2024-05-13. Review status: criteria provided, single submitter. Criteria: ACMG Guidelines, 2015. Collection method: clinical testing. Allele origin: germline. Affected: yes. Observed: 5 variant alleles. Not counted in ClinVar's aggregate classification.

Baylor Genetics
Classification: Pathogenic for Bronchiectasis with or without elevated sweat chloride 1. Last evaluated: 2024-03-11. Review status: criteria provided, single submitter. Criteria: ACMG Guidelines, 2015. Collection method: clinical testing. Allele origin: unknown. Not counted in ClinVar's aggregate classification.

Laboratory of Medical Genetics, National & Kapodistrian University of Athens
Classification: Pathogenic for Cystic fibrosis. Last evaluated: 2024-02-01. Review status: criteria provided, single submitter. Criteria: ACMG Guidelines, 2015. Collection method: curation. Allele origin: germline. Affected: no. Not counted in ClinVar's aggregate classification.

AiLife Diagnostics
Classification: Pathogenic. Last evaluated: 2022-03-17. Review status: criteria provided, single submitter. Criteria: ACMG Guidelines, 2015. Collection method: clinical testing. Allele origin: germline. Affected: yes. Observed: 1 variant allele. Not counted in ClinVar's aggregate classification.

Fulgent Genetics
Classification: Pathogenic for Hereditary pancreatitis; Bronchiectasis with or without elevated sweat chloride 1; Cystic fibrosis; Congenital bilateral aplasia of vas deferens from CFTR mutation. Last evaluated: 2022-03-14. Review status: criteria provided, single submitter. Criteria: ACMG Guidelines, 2015. Collection method: clinical testing. Allele origin: unknown. Not counted in ClinVar's aggregate classification.

Quest Diagnostics Nichols Institute San Juan Capistrano
Classification: Pathogenic. Last evaluated: 2021-06-27. Review status: criteria provided, single submitter. Criteria: Quest Diagnostics criteria. Collection method: clinical testing. Allele origin: unknown. Not counted in ClinVar's aggregate classification.
Comment: This variant has been reported in individuals affected with Cystic Fibrosis and Cystic Fibrosis Related Disorders (CFRD) in the published literature (PMID: 32429104 (2020), 28603918 (2017), 23891399 (2014), 23974870 (2013), 23951356 (2013), 22658665 (2012), 22020151 (2012), 18456578 (2008)). In addition, this variant has been shown to have a damaging effect on CFTR protein function (PMID: 32204475 (2020), 24440181 (2014), 23891399 (2014), 15176679 (2004)). Based on the available information, this variant is classified as pathogenic.

NM_000492.4(CFTR):c.254G>A (p.Gly85Glu)

Gene: CFTR (CF transmembrane conductance regulator; plus strand). Cytogenetic location: 7q31.2.
Variant type: single nucleotide variant.
Coding change: c.254G>A on transcript NM_000492.4 (MANE Select); coding-DNA position 254, G replaced by A.
Protein change: p.Gly85Glu; replaces glycine 85 with glutamic acid.
Molecular consequence: missense variant.
Genome position (GRCh38, 1-based): chr7:117,509,123, G>A. VCF-style: chr7-117509123-G-A. GRCh37 (hg19) VCF-style: chr7-117149177-G-A.
Other names: short protein forms G85E.
Identifiers: ClinVar variation 7143 (VCV000007143.139), dbSNP rs75961395, ClinGen allele CA340647.
Genomic context (GRCh38, chr7:117,509,123, plus strand): 5'-AAAATCCTAAACTCATTAATGCCCTTCGGCGATGTTTTTTCTGGAGATTTATGTTCTATG[G>A]AATCTTTTTATATTTAGGGGTAAGGATCTCATTTGTACATTCATTATGTATCACATAACT-3'
Protein context (NP_000483.3, residues 75-95): RCFFWRFMFY[Gly85Glu]IFLYLGEVTK